The following is an entry in ClinVar:

NM_004239.4(TRIP11):c.1527+6A>G

Gene: TRIP11 (thyroid hormone receptor interactor 11; minus strand). Cytogenetic location: 14q32.12.
Variant type: single nucleotide variant.
Coding change: c.1527+6A>G on transcript NM_004239.4 (MANE Select); 6 bases into the intron after coding-DNA position 1527, A replaced by G.
Molecular consequence: intron variant.
Genome position (GRCh38, 1-based): chr14:92,007,634, T>C on the plus strand (A>G on the coding strand, the complement: TRIP11 is on the minus strand). VCF-style: chr14-92007634-T-C. GRCh37 (hg19) VCF-style: chr14-92473978-T-C.
Other names: c.1524+6A>G (NM_001321851.1).
Identifiers: ClinVar variation 314968 (VCV000314968.29), dbSNP rs17127844, ClinGen allele CA7313924.

ClinVar aggregate classification (germline): Benign. Review status: criteria provided, multiple submitters, no conflicts (2 of 4 stars). 6 submissions from 6 submitters: Benign (6). Last evaluated 2026-02-01.

Conditions:
Connective tissue disorder. Also called: Connective tissue disease. Identifiers: MedGen C0009782, MONDO:0003900.
Achondrogenesis, type IA (ACG1A). Identifiers: Orphanet 932, Orphanet 93299, MedGen C0265273, MONDO:0008701, OMIM 200600.

Allele frequency attached by ClinVar (database versions not stated): gnomAD exomes 0.00316 and 0.00566; ExAC 0.00645; gnomAD 0.01324 and 0.01376; ESP Exome Variant Server 0.01446; TOPMed 0.01478; 1000 Genomes Project 30x 0.01811; 1000 Genomes Project 0.01857.
gnomAD v4.1: 6,707 of 1,613,066 alleles (0.42%); highest among the groups gnomAD compares: African/African-American, 4.3%; 104 homozygotes.

Submissions (6):

Labcorp Genetics (formerly Invitae), Labcorp
Classification: Benign for Achondrogenesis, type IA. Last evaluated: 2026-02-01. Review status: criteria provided, single submitter. Criteria: Invitae Variant Classification Sherloc (09022015). Collection method: clinical testing. Allele origin: germline.

ARUP Laboratories, Molecular Genetics and Genomics, ARUP Laboratories
Classification: Benign. Last evaluated: 2024-10-28. Review status: criteria provided, single submitter. Criteria: ARUP Molecular Germline Variant Investigation Process 2024. Collection method: clinical testing. Allele origin: germline.

Genome Diagnostics Laboratory, The Hospital for Sick Children
Classification: Benign for Connective tissue disorder. Last evaluated: 2021-04-05. Review status: criteria provided, single submitter. Criteria: ACMG Guidelines, 2015. Collection method: clinical testing. Allele origin: germline.

Illumina Laboratory Services, Illumina
Classification: Benign for Achondrogenesis, type IA. Last evaluated: 2018-01-12. Review status: criteria provided, single submitter. Criteria: ICSL Variant Classification Criteria 13 December 2019. Collection method: clinical testing. Allele origin: germline.
Comment: This variant was observed in the ICSL laboratory as part of a predisposition screen in an ostensibly healthy population. It had not been previously curated by ICSL or reported in the Human Gene Mutation Database (HGMD: prior to June 1st, 2018), and was therefore a candidate for classification through an automated scoring system. Utilizing variant allele frequency, disease prevalence and penetrance estimates, and inheritance mode, an automated score was calculated to assess if this variant is too frequent to cause the disease. Based on the score and internal cut-off values, a variant classified as benign is not then subjected to further curation. The score for this variant resulted in a classification of benign for this disease.

GeneDx
Classification: Benign. Last evaluated: 2016-06-24. Review status: criteria provided, single submitter. Criteria: GeneDx Variant Classification (06012015). Collection method: clinical testing. Allele origin: germline. Affected: yes.
Comment: This variant is considered likely benign or benign based on one or more of the following criteria: it is a conservative change, it occurs at a poorly conserved position in the protein, it is predicted to be benign by multiple in silico algorithms, and/or has population frequency not consistent with disease.

Breakthrough Genomics
Classification: Benign. Review status: criteria provided, single submitter. Criteria: ACMG Guidelines, 2015. Collection method: not provided. Allele origin: germline. Inheritance: Autosomal recessive inheritance. Affected: yes.